The following is an entry in ClinVar:

NM_001010892.3(RSPH4A):c.511G>C (p.Ala171Pro)

Gene: RSPH4A (radial spoke head component 4A; plus strand). Cytogenetic location: 6q22.1.
Variant type: single nucleotide variant.
Coding change: c.511G>C on transcript NM_001010892.3 (MANE Select); coding-DNA position 511, G replaced by C.
Protein change: p.Ala171Pro; replaces alanine 171 with proline.
Molecular consequence: missense variant.
Genome position (GRCh38, 1-based): chr6:116,617,134, G>C. VCF-style: chr6-116617134-G-C. GRCh37 (hg19) VCF-style: chr6-116938297-G-C.
Other names: c.511G>C, p.Ala171Pro (NM_001161664.2); c.511G>C (NM_001010892.2); short protein forms A171P.
Identifiers: ClinVar variation 2165091 (VCV002165091.6), dbSNP rs761222226, ClinGen allele CA3970778.

ClinVar aggregate classification (germline): Uncertain significance. Review status: criteria provided, multiple submitters, no conflicts (2 of 4 stars). 2 submissions from 2 submitters: Uncertain significance (2). Last evaluated 2023-03-07.

Conditions:
Primary ciliary dyskinesia. Also called: Ciliary dyskinesia. Identifiers: Orphanet 244, MedGen C0008780, MONDO:0016575, HP:0012265.

Allele frequency attached by ClinVar (database versions not stated): gnomAD exomes below 0.00001; ExAC 0.00001.
gnomAD v4.1: 3 of 1,614,068 alleles (0.00019%); highest among the groups gnomAD compares: Admixed American, 0.005%; no homozygotes.

Submissions (2):

Ambry Genetics
Classification: Uncertain significance for Primary ciliary dyskinesia. Last evaluated: 2023-03-07. Review status: criteria provided, single submitter. Criteria: Ambry Variant Classification Scheme 2023. Collection method: clinical testing. Allele origin: germline.

Labcorp Genetics (formerly Invitae), Labcorp
Classification: Uncertain significance for Primary ciliary dyskinesia. Last evaluated: 2022-08-10. Review status: criteria provided, single submitter. Criteria: Invitae Variant Classification Sherloc (09022015). Collection method: clinical testing. Allele origin: germline.
Comment: In summary, the available evidence is currently insufficient to determine the role of this variant in disease. Therefore, it has been classified as a Variant of Uncertain Significance. Algorithms developed to predict the effect of missense changes on protein structure and function output the following: SIFT: "Tolerated"; PolyPhen-2: "Benign"; Align-GVGD: "Class C0". The proline amino acid residue is found in multiple mammalian species, which suggests that this missense change does not adversely affect protein function. This variant has not been reported in the literature in individuals affected with RSPH4A-related conditions. This variant is present in population databases (rs761222226, gnomAD 0.003%). This sequence change replaces alanine, which is neutral and non-polar, with proline, which is neutral and non-polar, at codon 171 of the RSPH4A protein (p.Ala171Pro).